The following is an entry in ClinVar:

ClinVar aggregate classification (germline): Uncertain significance (1 of 4 stars; one submission).

Submission:

GeneDx
Classification: Uncertain significance. Last evaluated: 2024-06-29. Review status: criteria provided, single submitter. Criteria: GeneDx Variant Classification Process June 2021. Collection method: clinical testing. Allele origin: germline. Affected: yes.
Comment: Not observed at significant frequency in large population cohorts (gnomAD); In silico analysis indicates that this missense variant does not alter protein structure/function; Has not been previously published as pathogenic or benign to our knowledge

NM_001008537.3(NEXMIF):c.202C>A (p.Pro68Thr)

Gene: NEXMIF (neurite extension and migration factor; minus strand). Cytogenetic location: Xq13.3.
Variant type: single nucleotide variant.
Coding change: c.202C>A on transcript NM_001008537.3 (MANE Select); coding-DNA position 202, C replaced by A.
Protein change: p.Pro68Thr; replaces proline 68 with threonine.
Molecular consequence: missense variant.
Genome position (GRCh38, 1-based): chrX:74,744,355, G>T on the plus strand (C>A on the coding strand, the complement: NEXMIF is on the minus strand). VCF-style: chrX-74744355-G-T. GRCh37 (hg19) VCF-style: chrX-73964190-G-T.
Other names: short protein forms P68T.
Identifiers: ClinVar variation 3392921 (VCV003392921.1).